The following is an entry in ClinVar:

NM_001042492.3(NF1):c.1185+2T>G

Gene: NF1 (neurofibromin 1; plus strand). Cytogenetic location: 17q11.2.
Variant type: single nucleotide variant.
Coding change: c.1185+2T>G on transcript NM_001042492.3 (MANE Select); the canonical splice donor site of the intron after coding-DNA position 1185, T replaced by G.
Molecular consequence: splice donor variant.
Genome position (GRCh38, 1-based): chr17:31,201,161, T>G. VCF-style: chr17-31201161-T-G. GRCh37 (hg19) VCF-style: chr17-29528179-T-G.
Other names: c.1185+2T>G (NM_000267.4, NM_001128147.3).
Identifiers: ClinVar variation 439976 (VCV000439976.18), dbSNP rs1555611043, ClinGen allele CA398997367.

ClinVar aggregate classification (germline): Pathogenic. Review status: criteria provided, multiple submitters, no conflicts (2 of 4 stars). 4 submissions from 4 submitters: Pathogenic (4). Last evaluated 2024-12-30.

Conditions:
Neurofibromatosis, type 1 (NF1). Also called: Neurofibromatosis, type I; Peripheral type neurofibromatosis; VON RECKLINGHAUSEN DISEASE; NEUROFIBROMATOSIS, TYPE I, SOMATIC. Identifiers: Orphanet 636, MedGen C0027831, MONDO:0018975, OMIM 162200. Disease mechanism: loss of function.
Neurofibromatosis-Noonan syndrome (NFNS). Also called: NEUROFIBROMATOSIS WITH NOONAN PHENOTYPE. Identifiers: Orphanet 638, MedGen C2931482, MONDO:0011035, OMIM 601321. Disease mechanism: loss of function.
Café-au-lait macules with pulmonary stenosis (WTSN). Also called: PULMONIC STENOSIS WITH CAFE-AU-LAIT SPOTS. Identifiers: MedGen C0553586, MONDO:0008672, OMIM 193520.

Submissions (4):

GeneDx
Classification: Pathogenic. Last evaluated: 2024-12-30. Review status: criteria provided, single submitter. Criteria: GeneDx Variant Classification Process June 2021. Collection method: clinical testing. Allele origin: germline. Affected: yes.
Comment: Canonical splice site variant demonstrated to result in an in-frame loss of the adjacent exon in a gene for which loss of function is a known mechanism of disease (PMID: 33673681); Observed in an individual with a clinical diagnosis of neurofibromatosis type 1; however, detailed clinical information was not provided (PMID: 33673681); Deletions involving coding exons of this gene are a known mechanism of disease (HGMD); Not observed at significant frequency in large population cohorts (gnomAD); Also known as IVS8+2T>G; This variant is associated with the following publications: (PMID: 18546366, 26056819, 16835897, 10607834, 33673681)

Labcorp Genetics (formerly Invitae), Labcorp
Classification: Pathogenic for Neurofibromatosis, type 1. Last evaluated: 2022-06-03. Review status: criteria provided, single submitter. Criteria: Invitae Variant Classification Sherloc (09022015). Collection method: clinical testing. Allele origin: germline.
Comment: This sequence change affects a donor splice site in intron 10 of the NF1 gene. It is expected to disrupt RNA splicing. Variants that disrupt the donor or acceptor splice site typically lead to a loss of protein function (PMID: 16199547), and loss-of-function variants in NF1 are known to be pathogenic (PMID: 10712197, 23913538). This variant is not present in population databases (gnomAD no frequency). Disruption of this splice site has been observed in individuals with clinical features of neurofibromatosis type 1 (PMID: 10607834, 16835897, 18546366, 26056819). ClinVar contains an entry for this variant (Variation ID: 439976). Algorithms developed to predict the effect of sequence changes on RNA splicing suggest that this variant may disrupt the consensus splice site. For these reasons, this variant has been classified as Pathogenic.

Genome-Nilou Lab
Classification: Pathogenic for Neurofibromatosis, type 1. Last evaluated: 2022-03-15. Review status: criteria provided, single submitter. Criteria: ACMG Guidelines, 2015. Collection method: clinical testing. Allele origin: germline. Affected: no.

ARUP Laboratories, Molecular Genetics and Genomics, ARUP Laboratories
Classification: Pathogenic. Last evaluated: 2016-09-19. Review status: criteria provided, single submitter. Criteria: ARUP Molecular Germline Variant Investigation Process. Collection method: clinical testing. Allele origin: germline.

Literature cited by the submitters: PubMed 16199547 (cited by Labcorp Genetics (formerly Invitae), Labcorp); PubMed 10712197 (cited by Labcorp Genetics (formerly Invitae), Labcorp); PubMed 23913538 (cited by Labcorp Genetics (formerly Invitae), Labcorp); PubMed 10607834 (cited by Labcorp Genetics (formerly Invitae), Labcorp); PubMed 16835897 (cited by Labcorp Genetics (formerly Invitae), Labcorp); PubMed 18546366 (cited by Labcorp Genetics (formerly Invitae), Labcorp); PubMed 26056819 (cited by Labcorp Genetics (formerly Invitae), Labcorp).